The following is an entry in ClinVar:

NM_001379291.1(BRD4):c.2327C>T (p.Pro776Leu)

Gene: BRD4 (bromodomain containing 4; minus strand). Cytogenetic location: 19p13.12.
Variant type: single nucleotide variant.
Coding change: c.2327C>T on transcript NM_001379291.1 (MANE Select); coding-DNA position 2327, C replaced by T.
Protein change: p.Pro776Leu; replaces proline 776 with leucine.
Molecular consequence: missense variant.
Genome position (GRCh38, 1-based): chr19:15,244,485, G>A on the plus strand (C>T on the coding strand, the complement: BRD4 is on the minus strand). VCF-style: chr19-15244485-G-A. GRCh37 (hg19) VCF-style: chr19-15355296-G-A.
Other names: c.2327C>T, p.Pro776Leu (NM_058243.3); short protein forms P776L.
Identifiers: ClinVar variation 4762006 (VCV004762006.1).

ClinVar aggregate classification (germline): Uncertain significance (1 of 4 stars; one submission).

gnomAD v4.1: 11 of 1,539,900 alleles (0.00071%); highest among the groups gnomAD compares: South Asian, 0.0035%; no homozygotes.

Submission:

Labcorp Genetics (formerly Invitae), Labcorp
Classification: Uncertain significance. Last evaluated: 2025-12-09. Review status: criteria provided, single submitter. Criteria: Invitae Variant Classification Sherloc (09022015). Collection method: clinical testing. Allele origin: germline.
Comment: This sequence change replaces proline, which is neutral and non-polar, with leucine, which is neutral and non-polar, at codon 776 of the BRD4 protein (p.Pro776Leu). This variant is present in population databases (no rsID available, gnomAD 0.007%). This variant has not been reported in the literature in individuals affected with BRD4-related conditions. Invitae Evidence Modeling of protein sequence and biophysical properties (such as structural, functional, and spatial information, amino acid conservation, physicochemical variation, residue mobility, and thermodynamic stability) indicates that this missense variant is not expected to disrupt BRD4 protein function with a negative predictive value of 80%. In summary, the available evidence is currently insufficient to determine the role of this variant in disease. Therefore, it has been classified as a Variant of Uncertain Significance.